The following is an entry in ClinVar:

ClinVar aggregate classification (germline): Uncertain significance (1 of 4 stars; one submission).

Submission:

Labcorp Genetics (formerly Invitae), Labcorp
Classification: Uncertain significance. Last evaluated: 2025-10-11. Review status: criteria provided, single submitter. Criteria: Invitae Variant Classification Sherloc (09022015). Collection method: clinical testing. Allele origin: germline.
Comment: This sequence change replaces glycine, which is neutral and non-polar, with arginine, which is basic and polar, at codon 2628 of the HMCN1 protein (p.Gly2628Arg). This variant is not present in population databases (gnomAD no frequency). This variant has not been reported in the literature in individuals affected with HMCN1-related conditions. An algorithm developed to predict the effect of missense changes on protein structure and function (PolyPhen-2) suggests that this variant is likely to be disruptive. In summary, the available evidence is currently insufficient to determine the role of this variant in disease. Therefore, it has been classified as a Variant of Uncertain Significance.

NM_031935.3(HMCN1):c.7882G>C (p.Gly2628Arg)

Gene: HMCN1 (hemicentin 1; plus strand). Cytogenetic location: 1q31.1.
Variant type: single nucleotide variant.
Coding change: c.7882G>C on transcript NM_031935.3 (MANE Select); coding-DNA position 7882, G replaced by C.
Protein change: p.Gly2628Arg; replaces glycine 2628 with arginine.
Molecular consequence: missense variant.
Genome position (GRCh38, 1-based): chr1:186,069,665, G>C. VCF-style: chr1-186069665-G-C. GRCh37 (hg19) VCF-style: chr1-186038797-G-C.
Other names: short protein forms G2628R.
Identifiers: ClinVar variation 4729003 (VCV004729003.1).